The following is an entry in ClinVar:

NM_007254.4(PNKP):c.1065C>G (p.Pro355=)

Gene: PNKP (polynucleotide kinase 3'-phosphatase; minus strand). Cytogenetic location: 19q13.33.
Variant type: single nucleotide variant.
Coding change: c.1065C>G on transcript NM_007254.4 (MANE Select); coding-DNA position 1065, C replaced by G.
Protein change: p.Pro355=; no amino-acid change (proline 355 retained).
Molecular consequence: synonymous variant.
Genome position (GRCh38, 1-based): chr19:49,862,246, G>C on the plus strand (C>G on the coding strand, the complement: PNKP is on the minus strand). VCF-style: chr19-49862246-G-C. GRCh37 (hg19) VCF-style: chr19-50365503-G-C.
Other names: c.1065C>G (NM_007254.3).
Identifiers: ClinVar variation 2082370 (VCV002082370.5), dbSNP rs569834947, ClinGen allele CA9586627.

ClinVar aggregate classification (germline): Likely benign. Review status: criteria provided, multiple submitters, no conflicts (2 of 4 stars). 2 submissions from 2 submitters: Likely benign (2). Last evaluated 2025-09-27.

Conditions:
PNKP-related disorder. Also called: PNKP-related condition; PNKP-related disorders.
Developmental and epileptic encephalopathy, 12 (DEE12). Identifiers: MedGen C3150988, MONDO:0013389, OMIM 613722.

Allele frequency attached by ClinVar (database versions not stated): ExAC 0.00001; gnomAD 0.00001; 1000 Genomes Project 30x 0.00016; 1000 Genomes Project 0.00020.
gnomAD v4.1: 19 of 1,609,760 alleles (0.0012%); highest among the groups gnomAD compares: East Asian, 0.02%; no homozygotes.

Submissions (2):

PreventionGenetics, part of Exact Sciences
Classification: Likely benign for PNKP-related condition. Last evaluated: 2025-09-27. Review status: criteria provided, single submitter. Criteria: ACMG Guidelines, 2015. Collection method: clinical testing. Allele origin: germline.
Comment: This variant is classified as likely benign based on ACMG/AMP sequence variant interpretation guidelines (Richards et al. 2015 PMID: 25741868, with internal and published modifications).

Labcorp Genetics (formerly Invitae), Labcorp
Classification: Likely benign for Developmental and epileptic encephalopathy, 12. Last evaluated: 2022-11-29. Review status: criteria provided, single submitter. Criteria: Invitae Variant Classification Sherloc (09022015). Collection method: clinical testing. Allele origin: germline.